The following is an entry in ClinVar:

ClinVar aggregate classification (germline): Conflicting classifications of pathogenicity. Review status: criteria provided, conflicting classifications (1 of 4 stars). 2 submissions from 2 submitters: Likely pathogenic (1); Uncertain significance (1). Last evaluated 2026-09-23.

Conditions:
Rhabdoid tumor predisposition syndrome 2 (RTPS2). Identifiers: Orphanet 231108, Orphanet 69077, MedGen C2750074, MONDO:0013224, OMIM 613325.

Submissions (2):

GeneDx
Classification: Uncertain significance. Last evaluated: 2026-09-23. Review status: criteria provided, single submitter. Criteria: GeneDx Variant Classification Process June 2021. Collection method: clinical testing. Allele origin: germline.
Comment: Not observed at significant frequency in large population cohorts (gnomAD); In silico analysis supports that this missense variant has a deleterious effect on protein structure/function; Has not been previously published as pathogenic or benign to our knowledge

Labcorp Genetics (formerly Invitae), Labcorp
Classification: Likely pathogenic for Rhabdoid tumor predisposition syndrome 2. Last evaluated: 2023-09-22. Review status: criteria provided, single submitter. Criteria: Invitae Variant Classification Sherloc (09022015). Collection method: clinical testing. Allele origin: germline.
Comment: This sequence change replaces tyrosine, which is neutral and polar, with cysteine, which is neutral and slightly polar, at codon 732 of the SMARCA4 protein (p.Tyr732Cys). This variant is not present in population databases (gnomAD no frequency). This variant has not been reported in the literature in individuals affected with SMARCA4-related conditions. Advanced modeling of protein sequence and biophysical properties (such as structural, functional, and spatial information, amino acid conservation, physicochemical variation, residue mobility, and thermodynamic stability) performed at Invitae indicates that this missense variant is expected to disrupt SMARCA4 protein function. This variant disrupts the p.Tyr732 amino acid residue in SMARCA4. Other variant(s) that disrupt this residue have been determined to be pathogenic (PMID: 33223419). This suggests that this residue is clinically significant, and that variants that disrupt this residue are likely to be disease-causing. In summary, the currently available evidence indicates that the variant is pathogenic, but additional data are needed to prove that conclusively. Therefore, this variant has been classified as Likely Pathogenic.

Literature cited by the submitters: PubMed 33223419 (cited by Labcorp Genetics (formerly Invitae), Labcorp).

NM_003072.5(SMARCA4):c.2195A>G (p.Tyr732Cys)

Gene: SMARCA4 (SWI/SNF related BAF chromatin remodeling complex subunit ATPase 4; plus strand). Cytogenetic location: 19p13.2.
Variant type: single nucleotide variant.
Coding change: c.2195A>G on transcript NM_003072.5 (MANE Select); coding-DNA position 2195, A replaced by G.
Protein change: p.Tyr732Cys; replaces tyrosine 732 with cysteine.
Molecular consequence: missense variant. On other transcripts: non-coding transcript variant (1).
Genome position (GRCh38, 1-based): chr19:11,010,452, A>G. VCF-style: chr19-11010452-A-G. GRCh37 (hg19) VCF-style: chr19-11121128-A-G.
Other names: c.2195A>G, p.Tyr732Cys (NM_001128844.3, NM_001128845.2, NM_001128846.2 and 6 more transcripts); c.2195A>G (NM_001128849.1); short protein forms Y732C.
Identifiers: ClinVar variation 2888787 (VCV002888787.5), dbSNP rs2146236314, ClinGen allele CA404052806.